The following is an entry in ClinVar:

ClinVar aggregate classification (germline): Benign/Likely benign. Review status: criteria provided, multiple submitters, no conflicts (2 of 4 stars). 3 submissions from 3 submitters: Benign (1); Likely benign (1). 1 of the submissions does not count toward it. Last evaluated 2026-07-01.

Conditions:
PMPCB-related disorder. Also called: PMPCB-related condition.

Allele frequency attached by ClinVar (database versions not stated): gnomAD exomes 0.00005; ExAC 0.00024; 1000 Genomes Project 30x 0.00062; gnomAD 0.00066; TOPMed 0.00073; 1000 Genomes Project 0.00080; ESP Exome Variant Server 0.00161.
gnomAD v4.1: 176 of 1,613,868 alleles (0.011%); highest among the groups gnomAD compares: African/African-American, 0.21%; 1 homozygote.

Submissions (3):

CeGaT Center for Human Genetics Tuebingen
Classification: Likely benign. Last evaluated: 2026-07-01. Review status: criteria provided, single submitter. Criteria: CeGaT Center For Human Genetics Tuebingen Variant Classification Criteria Version 2. Collection method: clinical testing. Allele origin: germline. Affected: yes. Observed: 1 variant allele.
Comment: PMPCB: BP4, BP7

Labcorp Genetics (formerly Invitae), Labcorp
Classification: Benign. Last evaluated: 2024-10-15. Review status: criteria provided, single submitter. Criteria: Invitae Variant Classification Sherloc (09022015). Collection method: clinical testing. Allele origin: germline.

PreventionGenetics, part of Exact Sciences
Classification: Likely benign for PMPCB-related condition. Last evaluated: 2020-03-20. Review status: no assertion criteria provided. Collection method: clinical testing. Allele origin: germline. Not counted in ClinVar's aggregate classification.
Comment: This variant is classified as likely benign based on ACMG/AMP sequence variant interpretation guidelines (Richards et al. 2015 PMID: 25741868, with internal and published modifications).

NM_004279.3(PMPCB):c.528A>T (p.Gly176=)

Gene: PMPCB (peptidase, mitochondrial processing subunit beta; plus strand). Cytogenetic location: 7q22.1.
Variant type: single nucleotide variant.
Coding change: c.528A>T on transcript NM_004279.3 (MANE Select); coding-DNA position 528, A replaced by T.
Protein change: p.Gly176=; no amino-acid change (glycine 176 retained).
Molecular consequence: synonymous variant.
Genome position (GRCh38, 1-based): chr7:103,303,912, A>T. VCF-style: chr7-103303912-A-T. GRCh37 (hg19) VCF-style: chr7-102944359-A-T.
Other names: c.528A>T (NM_004279.2).
Identifiers: ClinVar variation 2146587 (VCV002146587.7), dbSNP rs149065163, ClinGen allele CA4417989.